The following is an entry in ClinVar:

ClinVar aggregate classification (germline): Uncertain significance. Review status: criteria provided, multiple submitters, no conflicts (2 of 4 stars). 6 submissions from 6 submitters: Uncertain significance (5). 1 of the submissions does not count toward it. Last evaluated 2024-09-15.

Conditions:
CFTR-related disorder (CFTR-RD). Also called: CFTR-related condition; CFTR-related disorders. Identifiers: MedGen C5924204, MONDO:7770004.
Cystic fibrosis (CF). Also called: MUCOVISCIDOSIS. Identifiers: Orphanet 586, MedGen C0010674, MONDO:0009061, OMIM 219700. Disease mechanism: loss of function.

Allele frequency attached by ClinVar (database versions not stated): gnomAD exomes below 0.00001.
gnomAD v4.1: 4 of 1,612,536 alleles (0.00025%); highest among the groups gnomAD compares: Non-Finnish European, 0.00025%; no homozygotes.

Submissions (6):

Labcorp Genetics (formerly Invitae), Labcorp
Classification: Uncertain significance for Cystic fibrosis. Last evaluated: 2024-09-15. Review status: criteria provided, single submitter. Criteria: Invitae Variant Classification Sherloc (09022015). Collection method: clinical testing. Allele origin: germline.
Comment: This sequence change replaces methionine, which is neutral and non-polar, with valine, which is neutral and non-polar, at codon 498 of the CFTR protein (p.Met498Val). This variant is not present in population databases (gnomAD no frequency). This variant has not been reported in the literature in individuals affected with CFTR-related conditions. ClinVar contains an entry for this variant (Variation ID: 632747). Invitae Evidence Modeling of protein sequence and biophysical properties (such as structural, functional, and spatial information, amino acid conservation, physicochemical variation, residue mobility, and thermodynamic stability) has been performed for this missense variant. However, the output from this modeling did not meet the statistical confidence thresholds required to predict the impact of this variant on CFTR protein function. In summary, the available evidence is currently insufficient to determine the role of this variant in disease. Therefore, it has been classified as a Variant of Uncertain Significance.

Genome-Nilou Lab
Classification: Uncertain significance for Cystic fibrosis. Last evaluated: 2021-09-05. Review status: criteria provided, single submitter. Criteria: ACMG Guidelines, 2015. Collection method: clinical testing. Allele origin: germline. Affected: no.

Quest Diagnostics Nichols Institute San Juan Capistrano
Classification: Uncertain significance. Last evaluated: 2019-08-28. Review status: criteria provided, single submitter. Criteria: Quest Diagnostics criteria. Collection method: clinical testing. Allele origin: unknown.

Women's Health and Genetics/Laboratory Corporation of America, LabCorp
Classification: Uncertain significance. Last evaluated: 2017-10-23. Review status: criteria provided, single submitter. Criteria: LabCorp Variant Classification Summary - May 2015. Collection method: clinical testing. Allele origin: germline.
Comment: Variant summary: The CFTR c.1492A>G (p.Met498Val) variant located in the P-loop containing nucleoside triphosphate hydrolase (via InterPro) involves the alteration of a conserved nucleotide and 3/5 in silico tools predict a damaging outcome. However, these predictions have yet to be functionally assessed. This variant is absent in 246098 control chromosomes (gnomAD). The variant of interest has not, to our knowledge, been reported in affected individuals via publications and/or reputable databases/clinical diagnostic laboratories. Because of the lack of clinical information and/or functional studies, the variant is classified as a "Variant of Uncertain Significance - Possibly Benign," until additional information becomes available.

Ambry Genetics
Classification: Uncertain significance for Cystic fibrosis. Last evaluated: 2016-07-25. Review status: criteria provided, single submitter. Criteria: Ambry Variant Classification Scheme 2023. Collection method: clinical testing. Allele origin: germline.
Comment: The p.M498V variant (also known as c.1492A>G), located in coding exon 11 of the CFTR gene, results from an A to G substitution at nucleotide position 1492. The methionine at codon 498 is replaced by valine, an amino acid with highly similar properties. This variant was not reported in population based cohorts in the following databases: Database of Single Nucleotide Polymorphisms (dbSNP), NHLBI Exome Sequencing Project (ESP), and 1000 Genomes Project. In the ESP, this variant was not observed in 6503 samples (13006 alleles) with coverage at this position. This amino acid position is highly conserved in available vertebrate species. In addition, this alteration is predicted to be benign by PolyPhen but deleterious by SIFT in silico analyses. Since supporting evidence is limited at this time, the clinical significance of this variant remains unclear.

Natera, Inc.
Classification: Uncertain significance for CFTR-related disorders. Last evaluated: 2018-10-01. Review status: no assertion criteria provided. Collection method: clinical testing. Allele origin: germline. Not counted in ClinVar's aggregate classification.

NM_000492.4(CFTR):c.1492A>G (p.Met498Val)

Genes: CFTR (CF transmembrane conductance regulator; plus strand), CFTR-AS1 (CFTR antisense RNA 1; minus strand). Cytogenetic location: 7q31.2.
Variant type: single nucleotide variant.
Coding change: c.1492A>G on transcript NM_000492.4 (MANE Select); coding-DNA position 1492, A replaced by G.
Protein change: p.Met498Val; replaces methionine 498 with valine.
Molecular consequence: missense variant.
Genome position (GRCh38, 1-based): chr7:117,559,563, A>G. VCF-style: chr7-117559563-A-G. GRCh37 (hg19) VCF-style: chr7-117199617-A-G.
Other names: short protein forms M498V.
Identifiers: ClinVar variation 632747 (VCV000632747.8), dbSNP rs1562898400, ClinGen allele CA368984594.
Genomic context (GRCh38, chr7:117,559,563, plus strand): 5'-TCAGAGGGTAAAATTAAGCACAGTGGAAGAATTTCATTCTGTTCTCAGTTTTCCTGGATT[A>G]TGCCTGGCACCATTAAAGAAAATATCATCTTTGGTGTTTCCTATGATGAATATAGATACA-3'
Protein context (NP_000483.3, residues 488-508): ISFCSQFSWI[Met498Val]PGTIKENIIF